The following is an entry in ClinVar:

ClinVar aggregate classification (germline): Uncertain significance. Review status: criteria provided, multiple submitters, no conflicts (2 of 4 stars). 2 submissions from 2 submitters: Uncertain significance (2). Last evaluated 2021-12-08.

Conditions:
Charcot-Marie-Tooth disease axonal type 2O. Also called: Charcot-Marie-Tooth Neuropathy Type 2O; Charcot-Marie-Tooth disease, axonal, type 20; CHARCOT-MARIE-TOOTH NEUROPATHY, AXONAL, TYPE 2O; CHARCOT-MARIE-TOOTH DISEASE, AXONAL, AUTOSOMAL DOMINANT, TYPE 2O. Identifiers: Orphanet 284232, MedGen C3280220, MONDO:0013644, OMIM 614228.

Allele frequency attached by ClinVar (database versions not stated): gnomAD exomes below 0.00001; TOPMed below 0.00001.

Submissions (2):

Labcorp Genetics (formerly Invitae), Labcorp
Classification: Uncertain significance for Charcot-Marie-Tooth disease axonal type 2O. Last evaluated: 2021-12-08. Review status: criteria provided, single submitter. Criteria: Invitae Variant Classification Sherloc (09022015). Collection method: clinical testing. Allele origin: germline.
Comment: This sequence change affects codon 2617 of the DYNC1H1 mRNA. It is a 'silent' change, meaning that it does not change the encoded amino acid sequence of the DYNC1H1 protein. This variant is not present in population databases (gnomAD no frequency). This variant has not been reported in the literature in individuals affected with DYNC1H1-related conditions. Algorithms developed to predict the effect of sequence changes on RNA splicing suggest that this variant may create or strengthen a splice site. In summary, the available evidence is currently insufficient to determine the role of this variant in disease. Therefore, it has been classified as a Variant of Uncertain Significance.

Genetic Services Laboratory, University of Chicago
Classification: Uncertain significance. Last evaluated: 2017-09-14. Review status: criteria provided, single submitter. Criteria: ACMG Guidelines, 2015. Collection method: clinical testing. Allele origin: germline. Affected: no.

NM_001376.5(DYNC1H1):c.7851G>A (p.Val2617=)

Gene: DYNC1H1 (dynein cytoplasmic 1 heavy chain 1; plus strand). Cytogenetic location: 14q32.31.
Variant type: single nucleotide variant.
Coding change: c.7851G>A on transcript NM_001376.5 (MANE Select); coding-DNA position 7851, G replaced by A.
Protein change: p.Val2617=; no amino-acid change (valine 2617 retained).
Molecular consequence: synonymous variant.
Genome position (GRCh38, 1-based): chr14:102,017,090, G>A. VCF-style: chr14-102017090-G-A. GRCh37 (hg19) VCF-style: chr14-102483427-G-A.
Identifiers: ClinVar variation 1336279 (VCV001336279.8), dbSNP rs1041508059, ClinGen allele CA266953358.
Genomic context (GRCh38, chr14:102,017,090, plus strand): 5'-TTTTGGTGCTGAGCATGGGGTTGGTCTTACAGTGTGGTTTTGTGTCTTCCCTCCAAAGGT[G>A]GTGGGTCTCAACTTCTCCAGTGCTACTACTCCAGAGCTGCTTCTGAAGACTTTTGATCAC-3'
Protein context (NP_001367.2, residues 2607-2627): SALRALPDME[Val2617=]VGLNFSSATT